The following is an entry in ClinVar:

NM_000458.4(HNF1B):c.187del (p.His63fs)

Gene: HNF1B (HNF1 homeobox B; minus strand). Cytogenetic location: 17q12.
Variant type: Deletion.
Coding change: c.187del on transcript NM_000458.4 (MANE Select); coding-DNA position 187, one base deleted (C; older notation c.187delC).
Protein change: p.His63fs; shifts the reading frame from histidine 63.
Molecular consequence: frameshift variant.
Genome position (GRCh38, 1-based): chr17:37,744,698, G deleted on the plus strand (C on the coding strand, the reverse complement: HNF1B is on the minus strand); the first of 2 consecutive G bases (chr17:37,744,698-37,744,699); deleting either gives the same sequence. VCF-style (leftmost placement, unchanged base first): chr17-37744697-TG-T. GRCh37 (hg19) VCF-style: chr17-36104688-TG-T.
Other names: c.187del, p.His63fs (NM_001165923.4, NM_001304286.2); short protein forms H63fs.
Identifiers: ClinVar variation 975066 (VCV000975066.4), dbSNP rs2034117925, ClinGen allele CA1139665507.

ClinVar aggregate classification (germline): Pathogenic. Review status: criteria provided, multiple submitters, no conflicts (2 of 4 stars). 2 submissions from 2 submitters: Pathogenic (2). Last evaluated 2019-02-14.

Conditions:
Renal cysts and diabetes syndrome (RCAD). Also called: Familial hypoplastic, glomerulocystic kidney; MATURITY-ONSET DIABETES OF THE YOUNG, TYPE 5. Identifiers: Orphanet 93111, MedGen C0431693, MONDO:0007669, OMIM 137920.
Maturity-onset diabetes of the young (MODY). Also called: Maturity onset diabetes mellitus in young. Identifiers: Orphanet 552, MedGen C0342276, MONDO:0018911, HP:0004904.

Submissions (2):

Victorian Clinical Genetics Services, Murdoch Childrens Research Institute
Classification: Pathogenic for Renal cysts and diabetes syndrome. Last evaluated: 2019-02-14. Review status: criteria provided, single submitter. Criteria: ACMG Guidelines, 2015. Collection method: clinical testing. Allele origin: unknown. Affected: yes.
Comment: A heterozygous frameshift deletion variant, NM_000458.4(HNF1B):c.187del, has been identified in exon 1 of 9 of the HNF1B gene. This deletion is predicted to create a frameshift starting at amino acid position 63, introducing a stop codon 62 residues downstream (NP_000449.1(HNF1B):p.(His63Ilefs*62)). This variant is predicted to result in loss of protein function either through truncation (including HNF-1_N and downstream HNF-1B_C functional domains) or nonsense-mediated decay, which is a reported mechanism of pathogenicity for this gene. The variant is absent in population databases (gnomAD). This variant has not been previously reported in clinical cases. However, many other protein truncating variants in HNF1B have previously been reported as pathogenic in clinical cases (ClinVar, Decipher, HGMD, Alvelos, M. et al. (2015)). Based on the information available at the time of curation, this variant has been classified as PATHOGENIC.

Clinical Genomics, Uppaluri K&H Personalized Medicine Clinic
Classification: Pathogenic for Maturity-onset diabetes of the young. Review status: criteria provided, single submitter. Criteria: K & H Uppaluri Personalized Medicine Clinic Variant Classification & Assertion Criteria_Updated V.1. Collection method: research. Allele origin: unknown. Inheritance: Autosomal dominant inheritance.
Comment: HNF1B gene mutations are associated with early onset diabetes and pancreatic atrophy. It is also associated with multiple renal manifestations including renal cysts, Tubulointerstitial disease, glomerulocystic disease, renal hypoplasia, hypomagnesemia. However no sufficient evidence is found to ascertain the role of this particular variant rs2034117925, yet.

Literature cited by the submitters: PubMed 24897035 (cited by Clinical Genomics, Uppaluri K&H Personalized Medicine Clinic); PubMed 25536396 (cited by Clinical Genomics, Uppaluri K&H Personalized Medicine Clinic); PubMed 27615128 (cited by Clinical Genomics, Uppaluri K&H Personalized Medicine Clinic); PubMed 28215227 (cited by Clinical Genomics, Uppaluri K&H Personalized Medicine Clinic); PubMed 33434175 (cited by Clinical Genomics, Uppaluri K&H Personalized Medicine Clinic); PubMed 25741167 (cited by Clinical Genomics, Uppaluri K&H Personalized Medicine Clinic); PubMed 26340261 (cited by Clinical Genomics, Uppaluri K&H Personalized Medicine Clinic); PubMed 19639018 (cited by Clinical Genomics, Uppaluri K&H Personalized Medicine Clinic).